The following is an entry in ClinVar:

ClinVar aggregate classification (germline): Conflicting classifications of pathogenicity. Review status: criteria provided, conflicting classifications (1 of 4 stars). 2 submissions from 2 submitters: Uncertain significance (1); Likely benign (1). Last evaluated 2025-10-10.

Allele frequency attached by ClinVar (database versions not stated): gnomAD 0.00003; gnomAD exomes 0.00003 and 0.00013; ExAC 0.00004; TOPMed 0.00006; ESP Exome Variant Server 0.00023.
gnomAD v4.1: 190 of 1,613,916 alleles (0.012%); highest among the groups gnomAD compares: Non-Finnish European, 0.015%; no homozygotes.

Submissions (2):

Labcorp Genetics (formerly Invitae), Labcorp
Classification: Uncertain significance. Last evaluated: 2025-10-10. Review status: criteria provided, single submitter. Criteria: Invitae Variant Classification Sherloc (09022015). Collection method: clinical testing. Allele origin: germline.
Comment: This sequence change replaces arginine, which is basic and polar, with histidine, which is basic and polar, at codon 151 of the CTNNB1 protein (p.Arg151His). This variant is present in population databases (rs200968230, gnomAD 0.007%). This variant has not been reported in the literature in individuals affected with CTNNB1-related conditions. ClinVar contains an entry for this variant (Variation ID: 1205259). Invitae Evidence Modeling of protein sequence and biophysical properties (such as structural, functional, and spatial information, amino acid conservation, physicochemical variation, residue mobility, and thermodynamic stability) indicates that this missense variant is expected to disrupt CTNNB1 protein function with a positive predictive value of 80%. In summary, the available evidence is currently insufficient to determine the role of this variant in disease. Therefore, it has been classified as a Variant of Uncertain Significance.

GeneDx
Classification: Likely benign. Last evaluated: 2020-08-17. Review status: criteria provided, single submitter. Criteria: GeneDx Variant Classification Process June 2021. Collection method: clinical testing. Allele origin: germline. Affected: yes.
Comment: This variant is associated with the following publications: (PMID: 29731991)

NM_001904.4(CTNNB1):c.452G>A (p.Arg151His)

Genes: CTNNB1 (catenin beta 1; plus strand), LOC126806658 (BRD4-independent group 4 enhancer GRCh37_chr3:41265899-41267098; plus strand). Cytogenetic location: 3p22.1.
Variant type: single nucleotide variant.
Coding change: c.452G>A on transcript NM_001904.4 (MANE Select); coding-DNA position 452, G replaced by A.
Protein change: p.Arg151His; replaces arginine 151 with histidine.
Molecular consequence: missense variant.
Genome position (GRCh38, 1-based): chr3:41,225,164, G>A. VCF-style: chr3-41225164-G-A. GRCh37 (hg19) VCF-style: chr3-41266655-G-A.
Other names: c.452G>A, p.Arg151His (NM_001098209.2, NM_001098210.2); c.431G>A, p.Arg144His (NM_001330729.2); short protein forms R144H, R151H.
Identifiers: ClinVar variation 1205259 (VCV001205259.9), dbSNP rs200968230, ClinGen allele CA2330909.